The following is an entry in ClinVar:

NM_004859.4(CLTC):c.4594A>T (p.Ser1532Cys)

Genes: CLTC (clathrin heavy chain; plus strand), LOC125177523 (Sharpr-MPRA regulatory region 12460; plus strand). Cytogenetic location: 17q23.1.
Variant type: single nucleotide variant.
Coding change: c.4594A>T on transcript NM_004859.4 (MANE Select); coding-DNA position 4594, A replaced by T.
Protein change: p.Ser1532Cys; replaces serine 1532 with cysteine.
Molecular consequence: missense variant.
Genome position (GRCh38, 1-based): chr17:59,685,215, A>T. VCF-style: chr17-59685215-A-T. GRCh37 (hg19) VCF-style: chr17-57762576-A-T.
Other names: c.4594A>T (NM_004859.3); c.4606A>T, p.Ser1536Cys (NM_001288653.2); short protein forms S1532C, S1536C.
Identifiers: ClinVar variation 3617915 (VCV003617915.3).

ClinVar aggregate classification (germline): Uncertain significance. Review status: criteria provided, multiple submitters, no conflicts (2 of 4 stars). 2 submissions from 2 submitters: Uncertain significance (2). Last evaluated 2025-06-03.

Conditions:
Inborn genetic diseases. Identifiers: MedGen C0950123, MeSH D030342.

gnomAD v4.1: 18 of 1,588,138 alleles (0.0011%); highest among the groups gnomAD compares: Non-Finnish European, 0.0015%; no homozygotes.

Submissions (2):

Ambry Genetics
Classification: Uncertain significance for Inborn genetic diseases. Last evaluated: 2025-06-03. Review status: criteria provided, single submitter. Criteria: Ambry Variant Classification Scheme 2023. Collection method: clinical testing. Allele origin: germline.

Labcorp Genetics (formerly Invitae), Labcorp
Classification: Uncertain significance. Last evaluated: 2024-04-08. Review status: criteria provided, single submitter. Criteria: Invitae Variant Classification Sherloc (09022015). Collection method: clinical testing. Allele origin: germline.
Comment: This sequence change replaces serine, which is neutral and polar, with cysteine, which is neutral and slightly polar, at codon 1536 of the CLTC protein (p.Ser1536Cys). This variant is present in population databases (rs576298046, gnomAD 0.0009%). This variant has not been reported in the literature in individuals affected with CLTC-related conditions. Advanced modeling of protein sequence and biophysical properties (such as structural, functional, and spatial information, amino acid conservation, physicochemical variation, residue mobility, and thermodynamic stability) performed at Invitae indicates that this missense variant is not expected to disrupt CLTC protein function with a negative predictive value of 80%. In summary, the available evidence is currently insufficient to determine the role of this variant in disease. Therefore, it has been classified as a Variant of Uncertain Significance.